The following is an entry in ClinVar:

ClinVar aggregate classification (germline): Benign/Likely benign. Review status: criteria provided, multiple submitters, no conflicts (2 of 4 stars). 4 submissions from 4 submitters: Benign (3); Likely benign (1). Last evaluated 2025-12-09.

Conditions:
Spastic paraplegia. Identifiers: MedGen C0037772, HP:0001258.

Allele frequency attached by ClinVar (database versions not stated): ExAC 0.00060; 1000 Genomes Project 30x 0.00141; 1000 Genomes Project 0.00160; gnomAD 0.00168 and 0.00177; TOPMed 0.00177; ESP Exome Variant Server 0.00215.

Submissions (4):

Labcorp Genetics (formerly Invitae), Labcorp
Classification: Benign for Spastic paraplegia. Last evaluated: 2025-12-09. Review status: criteria provided, single submitter. Criteria: Invitae Variant Classification Sherloc (09022015). Collection method: clinical testing. Allele origin: germline.

Mayo Clinic Laboratories, Mayo Clinic
Classification: Likely benign. Last evaluated: 2025-05-13. Review status: criteria provided, single submitter. Criteria: ACMG Guidelines, 2015. Collection method: clinical testing. Allele origin: germline. Observed: 1 variant allele.
Comment: BS1, BP4_moderate

Athena Diagnostics
Classification: Benign. Last evaluated: 2016-08-31. Review status: criteria provided, single submitter. Criteria: Athena Diagnostics Criteria. Collection method: clinical testing. Allele origin: germline.

Breakthrough Genomics
Classification: Benign. Review status: criteria provided, single submitter. Criteria: ACMG Guidelines, 2015. Collection method: not provided. Allele origin: germline. Inheritance: Autosomal dominant inheritance. Affected: yes.

NM_005619.5(RTN2):c.1274G>A (p.Arg425Gln)

Genes: OPA3-RTN2 (OPA3-RTN2 readthrough; minus strand), RTN2 (reticulon 2; minus strand). Cytogenetic location: 19q13.32.
Variant type: single nucleotide variant.
Coding change: c.1274G>A on transcript NM_005619.5 (MANE Select); coding-DNA position 1274, G replaced by A.
Protein change: p.Arg425Gln; replaces arginine 425 with glutamine.
Molecular consequence: missense variant.
Genome position (GRCh38, 1-based): chr19:45,488,954, C>T on the plus strand (G>A on the coding strand, the complement: RTN2 is on the minus strand). VCF-style: chr19-45488954-C-T. GRCh37 (hg19) VCF-style: chr19-45992212-C-T.
Other names: c.1055G>A, p.Arg352Gln (NM_206900.3); c.254G>A, p.Arg85Gln (NM_206901.3); short protein forms R425Q, R352Q, R85Q.
Identifiers: ClinVar variation 448171 (VCV000448171.14), dbSNP rs35461805, ClinGen allele CA9516026.
Genomic context (GRCh38, chr19:45,488,954, plus strand): 5'-TGCGTGGCCGCCGAGACCACGCGGGAGGTGATCTGGTGGGACAAACGTTCCGTCTGCTCC[C>T]GAGTCAGGGTGAGGTCCACATCCAGGTAGGCCCTGCGGGGACAAAGGAGTGTGGGGCGAC-3'
Protein context (NP_005610.1, residues 415-435): AYLDVDLTLT[Arg425Gln]EQTERLSHQI